The following is an entry in ClinVar:

NM_001375808.2(LPIN2):c.71A>G (p.Gln24Arg)

Gene: LPIN2 (lipin 2; minus strand). Cytogenetic location: 18p11.31.
Variant type: single nucleotide variant.
Coding change: c.71A>G on transcript NM_001375808.2 (MANE Select); coding-DNA position 71, A replaced by G.
Protein change: p.Gln24Arg; replaces glutamine 24 with arginine.
Molecular consequence: missense variant.
Genome position (GRCh38, 1-based): chr18:2,960,770, T>C on the plus strand (A>G on the coding strand, the complement: LPIN2 is on the minus strand). VCF-style: chr18-2960770-T-C. GRCh37 (hg19) VCF-style: chr18-2960768-T-C.
Other names: c.71A>G, p.Gln24Arg (NM_001375809.1, NM_014646.2); short protein forms Q24R.
Identifiers: ClinVar variation 582478 (VCV000582478.9), dbSNP rs1568575278, ClinGen allele CA401711627.

ClinVar aggregate classification (germline): Uncertain significance (1 of 4 stars; one submission).

Conditions:
Majeed syndrome (MJDS). Also called: CHRONIC RECURRENT MULTIFOCAL OSTEOMYELITIS 1, WITH CONGENITAL DYSERYTHROPOIETIC ANEMIA, WITH OR WITHOUT NEUTROPHILIC DERMATOSIS; LPIN2-Related Majeed Syndrome. Identifiers: Orphanet 77297, MedGen C1864997, MONDO:0012316, OMIM 609628.

Submission:

Labcorp Genetics (formerly Invitae), Labcorp
Classification: Uncertain significance for Majeed syndrome. Last evaluated: 2020-03-06. Review status: criteria provided, single submitter. Criteria: Invitae Variant Classification Sherloc (09022015). Collection method: clinical testing. Allele origin: germline.
Comment: This variant has not been reported in the literature in individuals with LPIN2-related disease. In summary, the available evidence is currently insufficient to determine the role of this variant in disease. Therefore, it has been classified as a Variant of Uncertain Significance. Algorithms developed to predict the effect of missense changes on protein structure and function are either unavailable or do not agree on the potential impact of this missense change (SIFT: "Tolerated"; PolyPhen-2: "Possibly Damaging"; Align-GVGD: "Class C0"). This variant is not present in population databases (ExAC no frequency). This sequence change replaces glutamine with arginine at codon 24 of the LPIN2 protein (p.Gln24Arg). The glutamine residue is moderately conserved and there is a small physicochemical difference between glutamine and arginine.